The following is an entry in ClinVar:

ClinVar aggregate classification (germline): Pathogenic (1 of 4 stars; one submission).

Conditions:
Alstrom syndrome (ALMS). Identifiers: Orphanet 64, MedGen C0268425, MONDO:0008763, OMIM 203800.

Allele frequency attached by ClinVar (database versions not stated): gnomAD exomes below 0.00001.
gnomAD v4.1: 1 of 1,614,034 alleles (0.000062%); highest among the groups gnomAD compares: Non-Finnish European, 0.000085%; no homozygotes.

Submission:

Labcorp Genetics (formerly Invitae), Labcorp
Classification: Pathogenic for Alstrom syndrome. Last evaluated: 2023-12-23. Review status: criteria provided, single submitter. Criteria: Invitae Variant Classification Sherloc (09022015). Collection method: clinical testing. Allele origin: germline.
Comment: This sequence change creates a premature translational stop signal (p.Gln3252*) in the ALMS1 gene. It is expected to result in an absent or disrupted protein product. Loss-of-function variants in ALMS1 are known to be pathogenic (PMID: 17594715). This variant is not present in population databases (gnomAD no frequency). This variant has not been reported in the literature in individuals affected with ALMS1-related conditions. For these reasons, this variant has been classified as Pathogenic.

Literature cited by the submitters: PubMed 17594715.

NM_001378454.1(ALMS1):c.9751C>T (p.Gln3251Ter)

Gene: ALMS1 (ALMS1 centrosome and basal body associated protein; plus strand). Cytogenetic location: 2p13.1.
Variant type: single nucleotide variant.
Coding change: c.9751C>T on transcript NM_001378454.1 (MANE Select); coding-DNA position 9751, C replaced by T.
Protein change: p.Gln3251Ter; replaces glutamine 3251 with a stop codon.
Molecular consequence: nonsense.
Genome position (GRCh38, 1-based): chr2:73,519,986, C>T. VCF-style: chr2-73519986-C-T. GRCh37 (hg19) VCF-style: chr2-73747113-C-T.
Other names: c.9754C>T, p.Gln3252Ter (NM_015120.4); short protein forms Q3252*, Q3251*.
Identifiers: ClinVar variation 2779521 (VCV002779521.3), dbSNP rs2466304011, ClinGen allele CA347281396.
Genomic context (GRCh38, chr2:73,519,986, plus strand): 5'-GAGCCTGGTAACCAGAAGCTACGCAAAGCTCCTGTCAAGTTTGCCTCATCATCTTCAGTC[C>T]AACAGGTTACTTTTTCTCGCGGCACAGATGGTAAGAGAATGTGATTGCATTTTAGATTGT-3'